The following is an entry in ClinVar:

NM_001205293.3(CACNA1E):c.4734C>T (p.Phe1578=)

Gene: CACNA1E (calcium voltage-gated channel subunit alpha1 E; plus strand). Cytogenetic location: 1q25.3.
Variant type: single nucleotide variant.
Coding change: c.4734C>T on transcript NM_001205293.3 (MANE Select); coding-DNA position 4734, C replaced by T.
Protein change: p.Phe1578=; no amino-acid change (phenylalanine 1578 retained).
Molecular consequence: synonymous variant.
Genome position (GRCh38, 1-based): chr1:181,763,450, C>T. VCF-style: chr1-181763450-C-T. GRCh37 (hg19) VCF-style: chr1-181732586-C-T.
Other names: p.Phe1578=; c.4734C>T, p.Phe1578= (NM_000721.4); c.4677C>T, p.Phe1559= (NM_001205294.2).
Identifiers: ClinVar variation 717282 (VCV000717282.48), dbSNP rs115093623, ClinGen allele CA1275928.

ClinVar aggregate classification (germline): Benign/Likely benign. Review status: criteria provided, multiple submitters, no conflicts (2 of 4 stars). 8 submissions from 8 submitters: Benign (5); Likely benign (2). 1 of the submissions does not count toward it. Last evaluated 2026-08-01.

Conditions:
CACNA1E-related disorder. Also called: CACNA1E-related condition.
Developmental and epileptic encephalopathy, 69. Also called: EPILEPTIC ENCEPHALOPATHY, EARLY INFANTILE, 69. Identifiers: MedGen C4748988, MONDO:0032657, OMIM 618285.

Allele frequency attached by ClinVar (database versions not stated): ESP Exome Variant Server 0.00210; gnomAD exomes 0.00240 and 0.00262; ExAC 0.00247; 1000 Genomes Project 30x 0.00250; gnomAD 0.00255 and 0.00262; 1000 Genomes Project 0.00260; TOPMed 0.00294.
gnomAD v4.1: 3,961 of 1,605,520 alleles (0.25%); highest among the groups gnomAD compares: Middle Eastern, 2.2%; 13 homozygotes.

Submissions (8):

CeGaT Center for Human Genetics Tuebingen
Classification: Likely benign. Last evaluated: 2026-08-01. Review status: criteria provided, single submitter. Criteria: CeGaT Center For Human Genetics Tuebingen Variant Classification Criteria Version 2. Collection method: clinical testing. Allele origin: germline. Affected: yes. Observed: 24 variant alleles.
Comment: CACNA1E: BP4, BS1

Labcorp Genetics (formerly Invitae), Labcorp
Classification: Benign. Last evaluated: 2026-02-03. Review status: criteria provided, single submitter. Criteria: Invitae Variant Classification Sherloc (09022015). Collection method: clinical testing. Allele origin: germline.

Blueprint Genetics
Classification: Likely benign. Last evaluated: 2024-11-18. Review status: criteria provided, single submitter. Criteria: ACMG Guidelines, 2015. Collection method: clinical testing. Allele origin: germline.

Mayo Clinic Laboratories, Mayo Clinic
Classification: Benign. Last evaluated: 2024-09-27. Review status: criteria provided, single submitter. Criteria: ACMG Guidelines, 2015. Collection method: clinical testing. Allele origin: germline. Observed: 1 variant allele.
Comment: BS1, BS2, BP4, BP7

Genome-Nilou Lab
Classification: Benign for Developmental and epileptic encephalopathy, 69. Last evaluated: 2023-04-11. Review status: criteria provided, single submitter. Criteria: ACMG Guidelines, 2015. Collection method: clinical testing. Allele origin: germline. Affected: no.

GeneDx
Classification: Benign. Last evaluated: 2021-04-23. Review status: criteria provided, single submitter. Criteria: GeneDx Variant Classification Process June 2021. Collection method: clinical testing. Allele origin: germline. Affected: yes.

Breakthrough Genomics
Classification: Benign. Review status: criteria provided, single submitter. Criteria: ACMG Guidelines, 2015. Collection method: not provided. Allele origin: germline. Inheritance: Autosomal dominant inheritance. Affected: yes.

PreventionGenetics, part of Exact Sciences
Classification: Likely benign for CACNA1E-related condition. Last evaluated: 2019-03-22. Review status: no assertion criteria provided. Collection method: clinical testing. Allele origin: germline. Not counted in ClinVar's aggregate classification.
Comment: This variant is classified as likely benign based on ACMG/AMP sequence variant interpretation guidelines (Richards et al. 2015 PMID: 25741868, with internal and published modifications).